The following is an entry in ClinVar:

ClinVar aggregate classification (germline): Benign. Review status: criteria provided, multiple submitters, no conflicts (2 of 4 stars). 3 submissions from 3 submitters: Benign (3). Last evaluated 2024-10-23.

Allele frequency attached by ClinVar (database versions not stated): TOPMed 0.01162; ExAC 0.00603; gnomAD 0.01101 and 0.01030; 1000 Genomes Project 30x 0.01265; ESP Exome Variant Server 0.01173; 1000 Genomes Project 0.01318.
gnomAD v4.1: 2,927 of 1,542,432 alleles (0.19%); highest among the groups gnomAD compares: African/African-American, 3.6%; 49 homozygotes.

Submissions (3):

Mayo Clinic Laboratories, Mayo Clinic
Classification: Benign. Last evaluated: 2024-10-23. Review status: criteria provided, single submitter. Criteria: ACMG Guidelines, 2015. Collection method: clinical testing. Allele origin: germline. Observed: 1 variant allele.
Comment: BA1, BS2

Labcorp Genetics (formerly Invitae), Labcorp
Classification: Benign. Last evaluated: 2019-12-31. Review status: criteria provided, single submitter. Criteria: Invitae Variant Classification Sherloc (09022015). Collection method: clinical testing. Allele origin: germline.

Breakthrough Genomics
Classification: Benign. Review status: criteria provided, single submitter. Criteria: ACMG Guidelines, 2015. Collection method: not provided. Allele origin: germline. Inheritance: Autosomal dominant inheritance. Affected: yes.

NM_001693.4(ATP6V1B2):c.40G>T (p.Ala14Ser)

Gene: ATP6V1B2 (ATPase H+ transporting V1 subunit B2; plus strand). Cytogenetic location: 8p21.3.
Variant type: single nucleotide variant.
Coding change: c.40G>T on transcript NM_001693.4 (MANE Select); coding-DNA position 40, G replaced by T.
Protein change: p.Ala14Ser; replaces alanine 14 with serine.
Molecular consequence: missense variant.
Genome position (GRCh38, 1-based): chr8:20,197,446, G>T. VCF-style: chr8-20197446-G-T. GRCh37 (hg19) VCF-style: chr8-20054957-G-T.
Other names: p.Ala14Ser; short protein forms A14S.
Identifiers: ClinVar variation 783518 (VCV000783518.6), dbSNP rs149880251, ClinGen allele CA4656682.